The following is an entry in ClinVar:

NM_018648.4(NOP10):c.174G>T (p.Gln58His)

Gene: NOP10 (NOP10 ribonucleoprotein; minus strand). Cytogenetic location: 15q14.
Variant type: single nucleotide variant.
Coding change: c.174G>T on transcript NM_018648.4 (MANE Select); coding-DNA position 174, G replaced by T.
Protein change: p.Gln58His; replaces glutamine 58 with histidine.
Molecular consequence: missense variant.
Genome position (GRCh38, 1-based): chr15:34,341,989, C>A on the plus strand (G>T on the coding strand, the complement: NOP10 is on the minus strand). VCF-style: chr15-34341989-C-A. GRCh37 (hg19) VCF-style: chr15-34634190-C-A.
Other names: short protein forms Q58H.
Identifiers: ClinVar variation 3618946 (VCV003618946.2).

ClinVar aggregate classification (germline): Uncertain significance (1 of 4 stars; one submission).

Conditions:
Dyskeratosis congenita, autosomal recessive 1. Identifiers: Orphanet 1775, MedGen C1857144, MONDO:0009136, OMIM 224230.

Submission:

Labcorp Genetics (formerly Invitae), Labcorp
Classification: Uncertain significance for Dyskeratosis congenita, autosomal recessive 1. Last evaluated: 2025-05-05. Review status: criteria provided, single submitter. Criteria: Invitae Variant Classification Sherloc (09022015). Collection method: clinical testing. Allele origin: germline.
Comment: This sequence change replaces glutamine, which is neutral and polar, with histidine, which is basic and polar, at codon 58 of the NOP10 protein (p.Gln58His). This variant is not present in population databases (gnomAD no frequency). This variant has not been reported in the literature in individuals affected with NOP10-related conditions. ClinVar contains an entry for this variant (Variation ID: 3618946). An algorithm developed to predict the effect of missense changes on protein structure and function (PolyPhen-2) suggests that this variant is likely to be disruptive. In summary, the available evidence is currently insufficient to determine the role of this variant in disease. Therefore, it has been classified as a Variant of Uncertain Significance.